The following is an entry in ClinVar:

NM_000256.3:c.3315delG

Gene: MYBPC3 (myosin binding protein C3; minus strand). Cytogenetic location: 11p11.2.
Variant type: Deletion.
Other names: c.3315del (LRG_386t1).
Identifiers: ClinVar variation 181099 (VCV000181099.1), dbSNP rs1565623093.

ClinVar aggregate classification (germline): Pathogenic (1 of 4 stars; one submission).

Conditions:
Cardiomyopathy (CMYO). Also called: Cardiomyopathies. Identifiers: Orphanet 167848, MedGen C0878544, MONDO:0004994, HP:0001638. Inheritance: Various modes of inheritance.

Submission:

GeneDx
Classification: Pathogenic for Cardiomyopathy. Last evaluated: 2014-08-08. Review status: criteria provided, single submitter. Criteria: GeneDx Variant Classification (06012015). Collection method: clinical testing. Allele origin: germline. Affected: yes.
Comment: c.3316delG: p.Asp1106ThrfsX83 (D1106TfsX83) in exon 30 of the MYBPC3 gene (NM_000256.3) The normal sequence with the bases that are deleted in braces is: CCGA{G}ACAA.Although the c.3316delG mutation in the MYBPC3 gene has not been reported to our knowledge, this mutation causes a shift in reading frame starting at codon Aspartic acid 1106, changing it to a Threonine, and creating a premature stop codon at position 83 of the new reading frame, denoted p.Asp1106ThrfsX83. This mutation is expected to result in either an abnormal, truncated protein product or loss of protein from this allele through nonsense-mediated mRNA decay. Other frameshift mutations in the MYBPC3 gene have been reported in association with cardiomyopathy. In summary, c.3316delG in the MYBPC3 gene is interpreted as a disease-causing mutation. The variant is found in CARDIOMYOPATHY panel(s).